The following is an entry in ClinVar:

ClinVar aggregate classification (germline): Uncertain significance (1 of 4 stars; one submission).

Allele frequency attached by ClinVar (database versions not stated): 1000 Genomes Project 0.00020; TOPMed 0.00020; ExAC 0.00026; gnomAD 0.00026; 1000 Genomes Project 30x 0.00031; ESP Exome Variant Server 0.00038; gnomAD exomes 0.00040.
gnomAD v4.1: 617 of 1,614,196 alleles (0.038%); highest among the groups gnomAD compares: Non-Finnish European, 0.05%; no homozygotes.

Submission:

Labcorp Genetics (formerly Invitae), Labcorp
Classification: Uncertain significance. Last evaluated: 2022-08-19. Review status: criteria provided, single submitter. Criteria: Invitae Variant Classification Sherloc (09022015). Collection method: clinical testing. Allele origin: germline.
Comment: This sequence change replaces aspartic acid, which is acidic and polar, with alanine, which is neutral and non-polar, at codon 93 of the NANS protein (p.Asp93Ala). This variant is present in population databases (rs142052465, gnomAD 0.04%). This variant has not been reported in the literature in individuals affected with NANS-related conditions. Algorithms developed to predict the effect of missense changes on protein structure and function output the following: SIFT: "Tolerated"; PolyPhen-2: "Benign"; Align-GVGD: "Class C0". The alanine amino acid residue is found in multiple mammalian species, which suggests that this missense change does not adversely affect protein function. In summary, the available evidence is currently insufficient to determine the role of this variant in disease. Therefore, it has been classified as a Variant of Uncertain Significance.

NM_018946.4(NANS):c.278A>C (p.Asp93Ala)

Genes: NANS (N-acetylneuraminate synthase; plus strand), TRIM14 (tripartite motif containing 14; minus strand). Cytogenetic location: 9q22.33.
Variant type: single nucleotide variant.
Coding change: c.278A>C on transcript NM_018946.4 (MANE Select); coding-DNA position 278, A replaced by C.
Protein change: p.Asp93Ala; replaces aspartic acid 93 with alanine.
Molecular consequence: missense variant.
Genome position (GRCh38, 1-based): chr9:98,060,927, A>C. VCF-style: chr9-98060927-A-C. GRCh37 (hg19) VCF-style: chr9-100823209-A-C.
Other names: short protein forms D93A.
Identifiers: ClinVar variation 2054365 (VCV002054365.1), dbSNP rs142052465, ClinGen allele CA5150229.